The following is an entry in ClinVar:

NM_001277115.2(DNAH11):c.10793C>G (p.Ala3598Gly)

Gene: DNAH11 (dynein axonemal heavy chain 11; plus strand). Cytogenetic location: 7p15.3.
Variant type: single nucleotide variant.
Coding change: c.10793C>G on transcript NM_001277115.2 (MANE Select); coding-DNA position 10793, C replaced by G.
Protein change: p.Ala3598Gly; replaces alanine 3598 with glycine.
Molecular consequence: missense variant.
Genome position (GRCh38, 1-based): chr7:21,842,645, C>G. VCF-style: chr7-21842645-C-G. GRCh37 (hg19) VCF-style: chr7-21882263-C-G.
Other names: short protein forms A3598G.
Identifiers: ClinVar variation 661372 (VCV000661372.9), dbSNP rs911976426, ClinGen allele CA366956861.

ClinVar aggregate classification (germline): Uncertain significance (1 of 4 stars; one submission).

Conditions:
Primary ciliary dyskinesia. Also called: Ciliary dyskinesia. Identifiers: Orphanet 244, MedGen C0008780, MONDO:0016575, HP:0012265.

Submission:

Labcorp Genetics (formerly Invitae), Labcorp
Classification: Uncertain significance for Primary ciliary dyskinesia. Last evaluated: 2018-12-25. Review status: criteria provided, single submitter. Criteria: Invitae Variant Classification Sherloc (09022015). Collection method: clinical testing. Allele origin: germline.
Comment: In summary, the available evidence is currently insufficient to determine the role of this variant in disease. Therefore, it has been classified as a Variant of Uncertain Significance. Algorithms developed to predict the effect of sequence changes on RNA splicing suggest that this variant may create or strengthen a splice site, but this prediction has not been confirmed by published transcriptional studies. Algorithms developed to predict the effect of missense changes on protein structure and function are either unavailable or do not agree on the potential impact of this missense change (SIFT: "Deleterious"; PolyPhen-2: "Probably Damaging"; Align-GVGD: "Class C0"). This variant has not been reported in the literature in individuals with DNAH11-related conditions. This variant is not present in population databases (ExAC no frequency). This sequence change replaces alanine with glycine at codon 3598 of the DNAH11 protein (p.Ala3598Gly). The alanine residue is highly conserved and there is a small physicochemical difference between alanine and glycine.